The following is an entry in ClinVar:

ClinVar aggregate classification (germline): Uncertain significance. Review status: criteria provided, multiple submitters, no conflicts (2 of 4 stars). 3 submissions from 3 submitters: Uncertain significance (3). Last evaluated 2024-05-30.

Conditions:
Inborn genetic diseases. Identifiers: MedGen C0950123, MeSH D030342.

Allele frequency attached by ClinVar (database versions not stated): gnomAD 0.00002; ExAC 0.00007; ESP Exome Variant Server 0.00008; gnomAD exomes 0.00009.

Submissions (3):

GeneDx
Classification: Uncertain significance. Last evaluated: 2024-05-30. Review status: criteria provided, single submitter. Criteria: GeneDx Variant Classification Process June 2021. Collection method: clinical testing. Allele origin: germline. Affected: yes.
Comment: In silico analysis supports that this missense variant has a deleterious effect on protein structure/function; Has not been previously published as pathogenic or benign to our knowledge

Labcorp Genetics (formerly Invitae), Labcorp
Classification: Uncertain significance. Last evaluated: 2023-04-24. Review status: criteria provided, single submitter. Criteria: Invitae Variant Classification Sherloc (09022015). Collection method: clinical testing. Allele origin: germline.
Comment: This sequence change replaces arginine, which is basic and polar, with glutamine, which is neutral and polar, at codon 62 of the NDUFS1 protein (p.Arg62Gln). This variant is present in population databases (rs201034481, gnomAD 0.2%). This variant has not been reported in the literature in individuals affected with NDUFS1-related conditions. ClinVar contains an entry for this variant (Variation ID: 214781). Advanced modeling of protein sequence and biophysical properties (such as structural, functional, and spatial information, amino acid conservation, physicochemical variation, residue mobility, and thermodynamic stability) performed at Invitae indicates that this missense variant is expected to disrupt NDUFS1 protein function. In summary, the available evidence is currently insufficient to determine the role of this variant in disease. Therefore, it has been classified as a Variant of Uncertain Significance.

Ambry Genetics
Classification: Uncertain significance for Inborn genetic diseases. Last evaluated: 2021-01-15. Review status: criteria provided, single submitter. Criteria: Ambry Variant Classification Scheme 2023. Collection method: clinical testing. Allele origin: germline.

NM_005006.7(NDUFS1):c.185G>A (p.Arg62Gln)

Gene: NDUFS1 (NADH:ubiquinone oxidoreductase core subunit S1; minus strand). Cytogenetic location: 2q33.3.
Variant type: single nucleotide variant.
Coding change: c.185G>A on transcript NM_005006.7 (MANE Select); coding-DNA position 185, G replaced by A.
Protein change: p.Arg62Gln; replaces arginine 62 with glutamine.
Molecular consequence: missense variant. On other transcripts: intron variant (2).
Genome position (GRCh38, 1-based): chr2:206,149,894, C>T on the plus strand (G>A on the coding strand, the complement: NDUFS1 is on the minus strand). VCF-style: chr2-206149894-C-T. GRCh37 (hg19) VCF-style: chr2-207014618-C-T.
Other names: c.14G>A, p.Arg5Gln (NM_001199983.2); c.227G>A, p.Arg76Gln (NM_001199984.2); c.6-2060G>A (NM_001199982.2); c.154-798G>A (NM_001199981.2); c.185G>A (NM_005006.6); short protein forms R62Q, R5Q, R76Q.
Identifiers: ClinVar variation 214781 (VCV000214781.10), dbSNP rs201034481, ClinGen allele CA322194.